The following is an entry in ClinVar:

ClinVar aggregate classification (germline): Uncertain significance (1 of 4 stars; one submission).

Conditions:
Baller-Gerold syndrome (BGS). Also called: CRANIOSYNOSTOSIS WITH RADIAL DEFECTS. Identifiers: Orphanet 1225, MedGen C0265308, MONDO:0009039, OMIM 218600.

Submission:

Labcorp Genetics (formerly Invitae), Labcorp
Classification: Uncertain significance for Baller-Gerold syndrome. Last evaluated: 2021-06-23. Review status: criteria provided, single submitter. Criteria: Invitae Variant Classification Sherloc (09022015). Collection method: clinical testing. Allele origin: germline.
Comment: Experimental studies and prediction algorithms are not available or were not evaluated, and the functional significance of this variant is currently unknown. This variant has not been reported in the literature in individuals with RECQL4-related conditions. This variant is not present in population databases (ExAC no frequency). This sequence change replaces cysteine with glycine at codon 77 of the RECQL4 protein (p.Cys77Gly). The cysteine residue is highly conserved and there is a large physicochemical difference between cysteine and glycine. In summary, the available evidence is currently insufficient to determine the role of this variant in disease. Therefore, it has been classified as a Variant of Uncertain Significance.

NM_004260.4(RECQL4):c.229T>G (p.Cys77Gly)

Gene: RECQL4 (RecQ like helicase 4; minus strand). Cytogenetic location: 8q24.3.
Variant type: single nucleotide variant.
Coding change: c.229T>G on transcript NM_004260.4 (MANE Select); coding-DNA position 229, T replaced by G.
Protein change: p.Cys77Gly; replaces cysteine 77 with glycine.
Molecular consequence: missense variant.
Genome position (GRCh38, 1-based): chr8:144,517,175, A>C on the plus strand (T>G on the coding strand, the complement: RECQL4 is on the minus strand). VCF-style: chr8-144517175-A-C. GRCh37 (hg19) VCF-style: chr8-145742559-A-C.
Other names: short protein forms C77G.
Identifiers: ClinVar variation 1480874 (VCV001480874.6), dbSNP rs2130736466, ClinGen allele CA372692345.
Genomic context (GRCh38, chr8:144,517,175, plus strand): 5'-TCCGCCCTGGCGTAGACTGTGGACTCTTGGTCGCAGCCCGATTCAGATGGGGCCCCCAGC[A>C]GCGGGGCTCTGGCGCCTGCAGGAGACAACAGGGGCACAGGCCAGAAAAGGCTGTTGTGGC-3'
Protein context (NP_004251.4, residues 67-87): AAAEEAPEPR[Cys77Gly]WGPHLNRAAT